The following is an entry in ClinVar:

NM_000944.5(PPP3CA):c.432_433del (p.Leu146fs)

Gene: PPP3CA (protein phosphatase 3 catalytic subunit alpha; minus strand). Cytogenetic location: 4q24.
Variant type: Deletion.
Coding change: c.432_433del on transcript NM_000944.5 (MANE Select); coding-DNA positions 432 to 433, 2 bases deleted (GT; older notation c.432_433delGT).
Protein change: p.Leu146fs; shifts the reading frame from leucine 146.
Molecular consequence: frameshift variant.
Genome position (GRCh38, 1-based): chr4:101,099,674-101,099,675, AC deleted on the plus strand (GT on the coding strand, the reverse complement: PPP3CA is on the minus strand); deleting any 2 consecutive bases within chr4:101,099,674-101,099,676 gives the same sequence; the c. name uses the placement nearest the transcript's 3' end. VCF-style (leftmost placement, unchanged base first): chr4-101099673-AAC-A. GRCh37 (hg19) VCF-style: chr4-102020830-AAC-A.
Other names: c.432_433del, p.Leu146fs (NM_001130691.2, NM_001130692.2); short protein forms L146fs.
Identifiers: ClinVar variation 2817196 (VCV002817196.3), dbSNP rs2475928286, ClinGen allele CA2739270209.

ClinVar aggregate classification (germline): Pathogenic (1 of 4 stars; one submission).

Submission:

Labcorp Genetics (formerly Invitae), Labcorp
Classification: Pathogenic. Last evaluated: 2023-10-13. Review status: criteria provided, single submitter. Criteria: Invitae Variant Classification Sherloc (09022015). Collection method: clinical testing. Allele origin: germline.
Comment: This sequence change creates a premature translational stop signal (p.Leu146Thrfs*6) in the PPP3CA gene. It is expected to result in an absent or disrupted protein product. Loss-of-function variants in PPP3CA are known to be pathogenic (PMID: 30254215, 30951195). This variant is not present in population databases (gnomAD no frequency). This variant has not been reported in the literature in individuals affected with PPP3CA-related conditions. For these reasons, this variant has been classified as Pathogenic.

Literature cited by the submitters: PubMed 30254215; PubMed 30951195.